The following is an entry in ClinVar:

NM_182972.3(IRF2BP2):c.502C>T (p.Pro168Ser)

Genes: IRF2BP2 (interferon regulatory factor 2 binding protein 2; minus strand), LOC129932812 (ATAC-STARR-seq lymphoblastoid silent region 1977; plus strand). Cytogenetic location: 1q42.3.
Variant type: single nucleotide variant.
Coding change: c.502C>T on transcript NM_182972.3 (MANE Select); coding-DNA position 502, C replaced by T.
Protein change: p.Pro168Ser; replaces proline 168 with serine.
Molecular consequence: missense variant.
Genome position (GRCh38, 1-based): chr1:234,608,993, G>A on the plus strand (C>T on the coding strand, the complement: IRF2BP2 is on the minus strand). VCF-style: chr1-234608993-G-A. GRCh37 (hg19) VCF-style: chr1-234744739-G-A.
Other names: c.502C>T, p.Pro168Ser (NM_001077397.1); short protein forms P168S.
Identifiers: ClinVar variation 1938487 (VCV001938487.5), dbSNP rs781645843, ClinGen allele CA1461836.
Genomic context (GRCh38, chr1:234,608,993, plus strand): 5'-GGGTGGGCGGCACCGCGTGGCCGCGCCGCGGGTTCGGGCTCTGGCGATTCAGCTCGGGCG[G>A]CTCCTCTAGCTTGGAGAAGCCGTTGGGCACCAGGATGCCGTTCACGGGCGGCGGCTGCGG-3'
Protein context (NP_892017.2, residues 158-178): VPNGFSKLEE[Pro168Ser]PELNRQSPNP

ClinVar aggregate classification (germline): Uncertain significance (1 of 4 stars; one submission).

Allele frequency attached by ClinVar (database versions not stated): gnomAD 0.00001; gnomAD exomes 0.00001; TOPMed 0.00002; ExAC 0.00003.

Submission:

Labcorp Genetics (formerly Invitae), Labcorp
Classification: Uncertain significance. Last evaluated: 2024-04-09. Review status: criteria provided, single submitter. Criteria: Invitae Variant Classification Sherloc (09022015). Collection method: clinical testing. Allele origin: germline.
Comment: This sequence change replaces proline, which is neutral and non-polar, with serine, which is neutral and polar, at codon 168 of the IRF2BP2 protein (p.Pro168Ser). The frequency data for this variant in the population databases is considered unreliable, as metrics indicate poor data quality at this position in the gnomAD database. This variant has not been reported in the literature in individuals affected with IRF2BP2-related conditions. ClinVar contains an entry for this variant (Variation ID: 1938487). An algorithm developed to predict the effect of missense changes on protein structure and function (PolyPhen-2) suggests that this variant is likely to be tolerated. In summary, the available evidence is currently insufficient to determine the role of this variant in disease. Therefore, it has been classified as a Variant of Uncertain Significance.